The following is an entry in ClinVar:

NM_000038.6(APC):c.1313-14del

Gene: APC (APC regulator of Wnt signaling pathway; plus strand). Cytogenetic location: 5q22.2.
Variant type: Deletion.
Coding change: c.1313-14del on transcript NM_000038.6 (MANE Select); 14 bases into the intron before coding-DNA position 1313, one base deleted (A; older notation c.1313-14delA).
Molecular consequence: intron variant.
Genome position (GRCh38, 1-based): chr5:112,821,882, A deleted. VCF-style (leftmost placement, unchanged base first): chr5-112821881-GA-G. GRCh37 (hg19) VCF-style: chr5-112157578-GA-G.
Other names: c.1313-14del (NM_001354895.2, NM_001127510.3, NM_001354896.2); c.1343-14del (NM_001354897.2); c.1040-14del (NM_001354902.2); c.1259-14del (NM_001127511.3); c.1238-14del (NM_001354898.2); c.935-14del (NM_001354904.2); c.464-14del (NM_001354906.2); c.1010-14del (NM_001354903.2); and 3 more.
Identifiers: ClinVar variation 921987 (VCV000921987.11), dbSNP rs1763162777, ClinGen allele CA1139658989.

ClinVar aggregate classification (germline): Likely benign. Review status: criteria provided, multiple submitters, no conflicts (2 of 4 stars). 3 submissions from 3 submitters: Likely benign (3). Last evaluated 2024-03-01.

Conditions:
Hereditary cancer-predisposing syndrome. Also called: Neoplastic Syndromes, Hereditary; Tumor predisposition; Hereditary Cancer Syndrome; Hereditary neoplastic syndrome. Identifiers: Orphanet 140162, MedGen C0027672, MeSH D009386, MONDO:0015356.
Familial adenomatous polyposis 1 (FAP1). Also called: FAMILIAL ADENOMATOUS POLYPOSIS 1, ATTENUATED; POLYPOSIS, ADENOMATOUS INTESTINAL. Identifiers: MedGen C2713442, MONDO:0021056, OMIM 175100. Disease mechanism: loss of function.

Submissions (3):

Myriad Genetics, Inc.
Classification: Likely benign for Familial adenomatous polyposis 1. Last evaluated: 2024-03-01. Review status: criteria provided, single submitter. Criteria: Myriad Autosomal Dominant, Autosomal Recessive and X-Linked Classification Criteria (2023). Collection method: clinical testing. Allele origin: unknown.
Comment: This variant is considered likely benign. This variant is intronic and is not expected to impact mRNA splicing.

Labcorp Genetics (formerly Invitae), Labcorp
Classification: Likely benign for Familial adenomatous polyposis 1. Last evaluated: 2023-10-04. Review status: criteria provided, single submitter. Criteria: Invitae Variant Classification Sherloc (09022015). Collection method: clinical testing. Allele origin: germline.

Color Diagnostics, LLC DBA Color Health
Classification: Likely benign for Hereditary cancer-predisposing syndrome. Last evaluated: 2020-01-03. Review status: criteria provided, single submitter. Criteria: ACMG Guidelines, 2015. Collection method: clinical testing. Allele origin: germline.